The following is an entry in ClinVar:

NM_001386140.1(MTTP):c.81del (p.Ser27_Leu28insTer)

Gene: MTTP (microsomal triglyceride transfer protein; plus strand). Cytogenetic location: 4q23.
Variant type: Deletion.
Coding change: c.81del on transcript NM_001386140.1 (MANE Select); coding-DNA position 81, one base deleted (A; older notation c.81delA).
Protein change: p.Ser27_Leu28insTer.
Molecular consequence: frameshift variant. On other transcripts: 5 prime UTR variant (1).
Genome position (GRCh38, 1-based): chr4:99,581,924, A deleted. VCF-style (leftmost placement, unchanged base first): chr4-99581923-CA-C. GRCh37 (hg19) VCF-style: chr4-100503080-CA-C.
Other names: c.81del, p.Ser27_Leu28insTer (NM_000253.4); c.-169del (NM_001300785.2).
Identifiers: ClinVar variation 4817994 (VCV004817994.1).

ClinVar aggregate classification (germline): Likely pathogenic (1 of 4 stars; one submission).

Conditions:
Abetalipoproteinaemia (ABL). Also called: MTP DEFICIENCY; Abetalipoproteinemia; Abetalipoproteinemia neuropathy; Apolipoprotein B deficiency; Congenital betalipoprotein deficiency syndrome. Identifiers: Orphanet 14, MedGen C0000744, MONDO:0008692, OMIM 200100, HP:0008181.

Submission:

Natera, Inc.
Classification: Likely pathogenic for Abetalipoproteinemia. Last evaluated: 2024-04-30. Review status: criteria provided, single submitter. Criteria: Natera Variant Classification Schema (03/2026). Collection method: clinical testing. Allele origin: germline.
Comment: The c.81delA variant in MTTP is a frameshift variant predicted to shift the reading frame and introduce a stop codon. This variant is expected to result in nonsense mediated decay, truncation, or a dysfunctional protein product. This variant is rare in the general population with a frequency below the threshold expected for the associated phenotype(s). Given the available evidence, this variant is classified as Likely Pathogenic.